The following is an entry in ClinVar:

NM_014363.6(SACS):c.5163del (p.Ala1723fs)

Gene: SACS (sacsin molecular chaperone; minus strand). Cytogenetic location: 13q12.12.
Variant type: Deletion.
Coding change: c.5163del on transcript NM_014363.6 (MANE Select); coding-DNA position 5163, one base deleted (C; older notation c.5163delC).
Protein change: p.Ala1723fs; shifts the reading frame from alanine 1723.
Molecular consequence: frameshift variant.
Genome position (GRCh38, 1-based): chr13:23,338,713, G deleted on the plus strand (C on the coding strand, the reverse complement: SACS is on the minus strand); the first of 2 consecutive G bases (chr13:23,338,713-23,338,714); deleting either gives the same sequence. VCF-style (leftmost placement, unchanged base first): chr13-23338712-TG-T. GRCh37 (hg19) VCF-style: chr13-23912851-TG-T.
Other names: c.4722del, p.Ala1576fs (NM_001278055.2); c.5163delC (NM_014363.5); short protein forms A1576fs, A1723fs.
Identifiers: ClinVar variation 2012975 (VCV002012975.5), dbSNP rs2542270559, ClinGen allele CA2575369497.

ClinVar aggregate classification (germline): Pathogenic/Likely pathogenic. Review status: criteria provided, multiple submitters, no conflicts (2 of 4 stars). 2 submissions from 2 submitters: Pathogenic (1); Likely pathogenic (1). Last evaluated 2024-12-20.

Conditions:
Charlevoix-Saguenay spastic ataxia (SACS). Also called: Spastic ataxia of Charlevoix-Saguenay; SPASTIC ATAXIA 6, AUTOSOMAL RECESSIVE; AUTOSOMAL RECESSIVE SPASTIC ATAXIA OF CHARLEVOIX-SAGUENAY. Identifiers: Orphanet 98, MedGen C1849140, MONDO:0010041, OMIM 270550.
Spastic paraplegia. Identifiers: MedGen C0037772, HP:0001258.

Submissions (2):

Natera, Inc.
Classification: Likely pathogenic for Charlevoix-Saguenay type spastic ataxia. Last evaluated: 2024-12-20. Review status: criteria provided, single submitter. Criteria: Natera Variant Classification Schema (03/2026). Collection method: clinical testing. Allele origin: germline.
Comment: The c.5163delC variant in SACS is a frameshift variant predicted to shift the reading frame beginning at codon 1723 and leads to a stop codon 2 codons downstream. This variant is expected to result in nonsense mediated decay, truncation, or a dysfunctional protein product. This variant is rare in the general population with a frequency below the threshold expected for the associated phenotype(s). Given the available evidence, this variant is classified as Likely Pathogenic.

Labcorp Genetics (formerly Invitae), Labcorp
Classification: Pathogenic for Spastic paraplegia. Last evaluated: 2024-03-16. Review status: criteria provided, single submitter. Criteria: Invitae Variant Classification Sherloc (09022015). Collection method: clinical testing. Allele origin: germline.
Comment: This sequence change creates a premature translational stop signal (p.Ala1723Hisfs*2) in the SACS gene. While this is not anticipated to result in nonsense mediated decay, it is expected to disrupt the last 2857 amino acid(s) of the SACS protein. This variant is not present in population databases (gnomAD no frequency). This variant has not been reported in the literature in individuals affected with SACS-related conditions. ClinVar contains an entry for this variant (Variation ID: 2012975). This variant disrupts a region of the SACS protein in which other variant(s) (p.Asn4549Asp) have been determined to be pathogenic (PMID: 15156359, 21507954). This suggests that this is a clinically significant region of the protein, and that variants that disrupt it are likely to be disease-causing. For these reasons, this variant has been classified as Pathogenic.

Literature cited by the submitters: PubMed 15156359 (cited by Labcorp Genetics (formerly Invitae), Labcorp); PubMed 21507954 (cited by Labcorp Genetics (formerly Invitae), Labcorp).